The following is an entry in ClinVar:

NC_000008.10:g.(?_43024296)_(43054712_?)dup

Gene: HGSNAT (heparan-alpha-glucosaminide N-acetyltransferase; plus strand). Cytogenetic location: 8p11.21.
Variant type: Duplication.
Identifiers: ClinVar variation 2427384 (VCV002427384.3).

ClinVar aggregate classification (germline): Uncertain significance (1 of 4 stars; one submission).

Conditions:
Retinitis pigmentosa 73 (RP73). Identifiers: Orphanet 791, MedGen C4225287, MONDO:0014687, OMIM 616544.
Mucopolysaccharidosis, MPS-III-C (MPS3C). Also called: SANFILIPPO SYNDROME C; MPS IIIC (Sanfilippo Syndrome Type C); MPS III C; Mucopolysaccharidosis type IIIC (Sanfilippo C); MUCOPOLYSACCHARIDOSIS, TYPE IIIC; mucopolysaccharidosis type 3C. Identifiers: Orphanet 581, Orphanet 79271, MedGen C0086649, MONDO:0009657, OMIM 252930.

Submission:

Labcorp Genetics (formerly Invitae), Labcorp
Classification: Uncertain significance for Retinitis pigmentosa 73; Mucopolysaccharidosis, MPS-III-C. Last evaluated: 2022-04-07. Review status: criteria provided, single submitter. Criteria: Invitae Variant Classification Sherloc (09022015). Collection method: clinical testing. Allele origin: germline.
Comment: This variant results in a copy number gain of the genomic region encompassing exon(s) 6-18 of the HGSNAT gene. This region includes the termination codon of the gene. This copy number gain extends beyond the assayed region for this gene and therefore may encompass additional genes. As the precise location of this event is unknown, it may be in tandem or it may be located elsewhere in the genome. This variant has not been reported in the literature in individuals affected with HGSNAT-related conditions. In summary, the available evidence is currently insufficient to determine the role of this variant in disease. Therefore, it has been classified as a Variant of Uncertain Significance.